The following is an entry in ClinVar:

NM_001278.5(CHUK):c.385+4C>T

Gene: CHUK (component of inhibitor of nuclear factor kappa B kinase complex; minus strand). Cytogenetic location: 10q24.31.
Variant type: single nucleotide variant.
Coding change: c.385+4C>T on transcript NM_001278.5 (MANE Select); 4 bases into the intron after coding-DNA position 385, C replaced by T.
Molecular consequence: intron variant.
Genome position (GRCh38, 1-based): chr10:100,222,108, G>A on the plus strand (C>T on the coding strand, the complement: CHUK is on the minus strand). VCF-style: chr10-100222108-G-A. GRCh37 (hg19) VCF-style: chr10-101981865-G-A.
Other names: c.385+4C>T (NM_001320928.2).
Identifiers: ClinVar variation 1474886 (VCV001474886.4), dbSNP rs374740759, ClinGen allele CA5646686.

ClinVar aggregate classification (germline): Uncertain significance (1 of 4 stars; one submission).

gnomAD v4.1: 26 of 1,453,396 alleles (0.0018%); highest among the groups gnomAD compares: African/African-American, 0.025%; no homozygotes.

Submission:

Labcorp Genetics (formerly Invitae), Labcorp
Classification: Uncertain significance. Last evaluated: 2021-11-06. Review status: criteria provided, single submitter. Criteria: Invitae Variant Classification Sherloc (09022015). Collection method: clinical testing. Allele origin: germline.
Comment: This sequence change falls in intron 4 of the CHUK gene. It does not directly change the encoded amino acid sequence of the CHUK protein. It affects a nucleotide within the consensus splice site. The frequency data for this variant in the population databases is considered unreliable, as metrics indicate poor data quality at this position in the gnomAD database. This variant has not been reported in the literature in individuals affected with CHUK-related conditions. Variants that disrupt the consensus splice site are a relatively common cause of aberrant splicing (PMID: 17576681, 9536098). Experimental studies and prediction algorithms are not available or were not evaluated, and the effect of this variant on mRNA splicing is currently unknown. In summary, the available evidence is currently insufficient to determine the role of this variant in disease. Therefore, it has been classified as a Variant of Uncertain Significance.

Literature cited by the submitters: PubMed 17576681; PubMed 9536098.